The following is an entry in ClinVar:

NM_004655.4(AXIN2):c.1969G>C (p.Ala657Pro)

Gene: AXIN2 (axin 2; minus strand). Cytogenetic location: 17q24.1.
Variant type: single nucleotide variant.
Coding change: c.1969G>C on transcript NM_004655.4 (MANE Select); coding-DNA position 1969, G replaced by C.
Protein change: p.Ala657Pro; replaces alanine 657 with proline.
Molecular consequence: missense variant.
Genome position (GRCh38, 1-based): chr17:65,536,492, C>G on the plus strand (G>C on the coding strand, the complement: AXIN2 is on the minus strand). VCF-style: chr17-65536492-C-G. GRCh37 (hg19) VCF-style: chr17-63532610-C-G.
Other names: c.1774G>C, p.Ala592Pro (NM_001363813.1); short protein forms A592P, A657P.
Identifiers: ClinVar variation 1021935 (VCV001021935.8), dbSNP rs1254934681, ClinGen allele CA400676238.
Genomic context (GRCh38, chr17:65,536,492, plus strand): 5'-GGGCACGGGGGGTGGTGCGGGGGTGCCCGCTGTTGCCCCCCCACAGATGGTGCCGGCTGG[C>G]TCGTTCGCCTGGAGACGAGCGGGCAGACTCCAAGGGGTAGGCCTTTTTTGTGCTTTGGGC-3'
Protein context (NP_004646.3, residues 647-667): ESARSSPGER[Ala657Pro]SRHHLWGGNS

ClinVar aggregate classification (germline): Uncertain significance (1 of 4 stars; one submission).

Conditions:
Oligodontia-cancer predisposition syndrome. Also called: TOOTH AGENESIS-COLORECTAL CANCER SYNDROME. Identifiers: Orphanet 300576, MedGen C1837750, MONDO:0012075, OMIM 608615. Disease mechanism: loss of function.

gnomAD v4.1: 1 of 1,613,834 alleles (0.000062%); highest among the groups gnomAD compares: Non-Finnish European, 0.000085%; no homozygotes.

Submission:

Labcorp Genetics (formerly Invitae), Labcorp
Classification: Uncertain significance for Oligodontia-cancer predisposition syndrome. Last evaluated: 2020-10-27. Review status: criteria provided, single submitter. Criteria: Invitae Variant Classification Sherloc (09022015). Collection method: clinical testing. Allele origin: germline.
Comment: In summary, the available evidence is currently insufficient to determine the role of this variant in disease. Therefore, it has been classified as a Variant of Uncertain Significance. Algorithms developed to predict the effect of missense changes on protein structure and function output the following: SIFT: "Tolerated"; PolyPhen-2: "Benign"; Align-GVGD: "Class C0". The proline amino acid residue is found in multiple mammalian species, suggesting that this missense change does not adversely affect protein function. These predictions have not been confirmed by published functional studies and their clinical significance is uncertain. This variant has not been reported in the literature in individuals with AXIN2-related conditions. This variant is not present in population databases (ExAC no frequency). This sequence change replaces alanine with proline at codon 657 of the AXIN2 protein (p.Ala657Pro). The alanine residue is weakly conserved and there is a small physicochemical difference between alanine and proline.